The following is an entry in ClinVar:

NM_002485.5(NBN):c.1255A>T (p.Asn419Tyr)

Gene: NBN (nibrin; minus strand). Cytogenetic location: 8q21.3.
Variant type: single nucleotide variant.
Coding change: c.1255A>T on transcript NM_002485.5 (MANE Select); coding-DNA position 1255, A replaced by T.
Protein change: p.Asn419Tyr; replaces asparagine 419 with tyrosine.
Molecular consequence: missense variant.
Genome position (GRCh38, 1-based): chr8:89,955,425, T>A on the plus strand (A>T on the coding strand, the complement: NBN is on the minus strand). VCF-style: chr8-89955425-T-A. GRCh37 (hg19) VCF-style: chr8-90967653-T-A.
Other names: c.1009A>T, p.Asn337Tyr (NM_001024688.3); short protein forms N419Y, N337Y.
Identifiers: ClinVar variation 818711 (VCV000818711.15), dbSNP rs730881849, ClinGen allele CA371656260.
Genomic context (GRCh38, chr8:89,955,425, plus strand): 5'-TACTTGGCAATTTAGTTGGTGAAAGCTGATAGTTTGGGATTCTCATCTTAGCCAAAGTAT[T>A]TGATACCATACTATTATTATTAGAGCTTGTTTTGCAGGACTCCTTTACAGTGGGTGCATC-3'
Protein context (NP_002476.2, residues 409-429): TSSNNNSMVS[Asn419Tyr]TLAKMRIPNY

ClinVar aggregate classification (germline): Uncertain significance. Review status: criteria provided, multiple submitters, no conflicts (2 of 4 stars). 3 submissions from 3 submitters: Uncertain significance (3). Last evaluated 2022-09-19.

Conditions:
Hereditary cancer-predisposing syndrome. Also called: Hereditary Cancer Syndrome; Neoplastic Syndromes, Hereditary; Hereditary neoplastic syndrome; Tumor predisposition. Identifiers: Orphanet 140162, MedGen C0027672, MeSH D009386, MONDO:0015356.
Microcephaly, normal intelligence and immunodeficiency (NBS). Also called: Nijmegen breakage syndrome; Microcephaly with normal intelligence immunodeficiency and lymphoreticular malignancies; Nonsyndromal microcephaly autosomal recessive with normal intelligence; Seemanova syndrome 2; Immunodeficiency, microcephaly with normal intelligence; Ataxia telangiectasia variant V1. Identifiers: Orphanet 647, MedGen C0398791, MONDO:0009623, OMIM 251260.

Allele frequency attached by ClinVar (database versions not stated): gnomAD 0.00003.
gnomAD v4.1: 1 of 1,613,870 alleles (0.000062%); highest among the groups gnomAD compares: Non-Finnish European, 0.000085%; no homozygotes.

Submissions (3):

Labcorp Genetics (formerly Invitae), Labcorp
Classification: Uncertain significance for Microcephaly, normal intelligence and immunodeficiency. Last evaluated: 2022-09-19. Review status: criteria provided, single submitter. Criteria: Invitae Variant Classification Sherloc (09022015). Collection method: clinical testing. Allele origin: germline.
Comment: This sequence change replaces asparagine, which is neutral and polar, with tyrosine, which is neutral and polar, at codon 419 of the NBN protein (p.Asn419Tyr). This variant is present in population databases (no rsID available, gnomAD 0.03%). This variant has not been reported in the literature in individuals affected with NBN-related conditions. ClinVar contains an entry for this variant (Variation ID: 818711). Algorithms developed to predict the effect of missense changes on protein structure and function (SIFT, PolyPhen-2, Align-GVGD) all suggest that this variant is likely to be tolerated. In summary, the available evidence is currently insufficient to determine the role of this variant in disease. Therefore, it has been classified as a Variant of Uncertain Significance.

Genome-Nilou Lab
Classification: Uncertain significance for Microcephaly, normal intelligence and immunodeficiency. Last evaluated: 2021-11-07. Review status: criteria provided, single submitter. Criteria: ACMG Guidelines, 2015. Collection method: clinical testing. Allele origin: germline. Affected: no.

Ambry Genetics
Classification: Uncertain significance for Hereditary cancer-predisposing syndrome. Last evaluated: 2019-09-13. Review status: criteria provided, single submitter. Criteria: Ambry Variant Classification Scheme 2023. Collection method: clinical testing. Allele origin: germline.
Comment: The p.N419Y variant (also known as c.1255A>T), located in coding exon 10 of the NBN gene, results from an A to T substitution at nucleotide position 1255. The asparagine at codon 419 is replaced by tyrosine, an amino acid with dissimilar properties. This amino acid position is not well conserved in available vertebrate species. In addition, this alteration is predicted to be tolerated by in silico analysis. Since supporting evidence is limited at this time, the clinical significance of this alteration remains unclear.